The following is an entry in ClinVar:

ClinVar aggregate classification (germline): Uncertain significance. Review status: criteria provided, multiple submitters, no conflicts (2 of 4 stars). 7 submissions from 7 submitters: Uncertain significance (5). 2 of the submissions do not count toward it. Last evaluated 2026-05-01.

Conditions:
Hermansky-Pudlak syndrome 2 (HPS2). Also called: Platelet defects and oculocutaneous albinism. Identifiers: Orphanet 183678, Orphanet 79430, MedGen C1842362, MONDO:0011997, OMIM 608233.

Allele frequency attached by ClinVar (database versions not stated): 1000 Genomes Project 30x 0.00016; 1000 Genomes Project 0.00020; ESP Exome Variant Server 0.00031; ExAC 0.00035; TOPMed 0.00035; gnomAD exomes 0.00038 and 0.00044; gnomAD 0.00051 and 0.00053.
gnomAD v4.1: 719 of 1,613,570 alleles (0.045%); highest among the groups gnomAD compares: Non-Finnish European, 0.054%; 1 homozygote.

Submissions (14):

Women's Health and Genetics/Laboratory Corporation of America, LabCorp
Classification: Uncertain significance. Last evaluated: 2026-05-01. Review status: criteria provided, single submitter. Criteria: LabCorp Variant Classification Summary - May 2015. Collection method: clinical testing. Allele origin: germline.
Comment: Variant summary: AP3B1 c.3131+5G>T alters a nucleotide located close to a canonical splice site and therefore could affect mRNA splicing, leading to a significantly altered protein sequence. Several computational tools predict a significant impact on normal splicing: Three predict the variant weakens a 5' donor site. However, these predictions have yet to be confirmed by functional studies. The variant allele was found at a frequency of 0.00038 in 251406 control chromosomes. This frequency is not significantly higher than estimated for disease-causing variants in AP3B1, allowing no conclusion about variant significance. c.3131+5G>T has been reported in the literature in at least one individual affected with macrothrombocytopenia, however no second AP3B1 variant was identified (e.g., Montcrieff_2023). The report does not provide unequivocal conclusions about association of the variant with Hermansky-Pudlak Syndrome. To our knowledge, no experimental evidence demonstrating an impact on protein function has been reported. The following publication have been ascertained in the context of this evaluation (PMID: 36941763). ClinVar contains an entry for this variant (Variation ID: 354221). Based on the evidence outlined above, the variant was classified as uncertain significance.

Labcorp Genetics (formerly Invitae), Labcorp
Classification: Uncertain significance for Hermansky-Pudlak syndrome 2. Last evaluated: 2025-02-02. Review status: criteria provided, single submitter. Criteria: Invitae Variant Classification Sherloc (09022015). Collection method: clinical testing. Allele origin: germline.
Comment: This sequence change falls in intron 26 of the AP3B1 gene. It does not directly change the encoded amino acid sequence of the AP3B1 protein. It affects a nucleotide within the consensus splice site. This variant is present in population databases (rs191616060, gnomAD 0.08%), and has an allele count higher than expected for a pathogenic variant. This variant has not been reported in the literature in individuals affected with AP3B1-related conditions. ClinVar contains an entry for this variant (Variation ID: 354221). Variants that disrupt the consensus splice site are a relatively common cause of aberrant splicing (PMID: 17576681, 9536098). Algorithms developed to predict the effect of sequence changes on RNA splicing suggest that this variant may disrupt the consensus splice site. In summary, the available evidence is currently insufficient to determine the role of this variant in disease. Therefore, it has been classified as a Variant of Uncertain Significance.

Mayo Clinic Laboratories, Mayo Clinic
Classification: Uncertain significance. Last evaluated: 2024-12-23. Review status: criteria provided, single submitter. Criteria: ACMG Guidelines, 2015. Collection method: clinical testing. Allele origin: germline. Observed: 5 variant alleles.
Comment: BS1

Blueprint Genetics
Classification: Uncertain significance. Last evaluated: 2024-11-11. Review status: criteria provided, single submitter. Criteria: ACMG Guidelines, 2015. Collection method: clinical testing. Allele origin: germline.

Illumina Laboratory Services, Illumina
Classification: Uncertain significance for Hermansky-Pudlak syndrome 2. Last evaluated: 2018-01-13. Review status: criteria provided, single submitter. Criteria: ICSL Variant Classification Criteria 13 December 2019. Collection method: clinical testing. Allele origin: germline.

Clinical Genetics DNA and cytogenetics Diagnostics Lab, Erasmus MC, Erasmus Medical Center
Classification: Uncertain significance. Review status: no assertion criteria provided. Collection method: clinical testing. Allele origin: germline. Affected: yes. Study: VKGL Data-share Consensus. Not counted in ClinVar's aggregate classification.

Clinical Genetics, Academic Medical Center
Classification: Uncertain significance. Review status: no assertion criteria provided. Collection method: clinical testing. Allele origin: germline. Affected: yes. Study: VKGL Data-share Consensus. Not counted in ClinVar's aggregate classification.

Dr. Peter K. Rogan Lab, Western University
No classification provided (evidence only). Condition: Lung cancer. Review status: no classification provided. Collection method: in vitro. Allele origin: not applicable. Functional consequence: skipped exon. Not counted in ClinVar's aggregate classification.

Dr. Peter K. Rogan Lab, Western University
No classification provided (evidence only). Condition: Lung cancer. Review status: no classification provided. Collection method: in vitro. Allele origin: not applicable. Functional consequence: skipped exon, retained intron. Not counted in ClinVar's aggregate classification.

Dr. Peter K. Rogan Lab, Western University
No classification provided (evidence only). Condition: Familial cancer of breast. Review status: no classification provided. Collection method: in vitro. Allele origin: not applicable. Functional consequence: skipped exon. Not counted in ClinVar's aggregate classification.

Dr. Peter K. Rogan Lab, Western University
No classification provided (evidence only). Condition: Familial cancer of breast. Review status: no classification provided. Collection method: in vitro. Allele origin: not applicable. Functional consequence: skipped exon. Not counted in ClinVar's aggregate classification.

Dr. Peter K. Rogan Lab, Western University
No classification provided (evidence only). Condition: Familial cancer of breast. Review status: no classification provided. Collection method: in vitro. Allele origin: not applicable. Functional consequence: skipped exon, retained intron. Not counted in ClinVar's aggregate classification.

Dr. Peter K. Rogan Lab, Western University
No classification provided (evidence only). Condition: Colorectal cancer. Review status: no classification provided. Collection method: in vitro. Allele origin: not applicable. Functional consequence: skipped exon. Not counted in ClinVar's aggregate classification.

Dr. Peter K. Rogan Lab, Western University
No classification provided (evidence only). Condition: Nonpapillary renal cell carcinoma. Review status: no classification provided. Collection method: in vitro. Allele origin: not applicable. Functional consequence: retained intron. Not counted in ClinVar's aggregate classification.

Literature cited by the submitters: PubMed 36941763 (cited by Women's Health and Genetics/Laboratory Corporation of America, LabCorp); PubMed 17576681 (cited by Labcorp Genetics (formerly Invitae), Labcorp); PubMed 9536098 (cited by Labcorp Genetics (formerly Invitae), Labcorp).

NM_003664.5(AP3B1):c.3131+5G>T

Gene: AP3B1 (adaptor related protein complex 3 subunit beta 1; minus strand). Cytogenetic location: 5q14.1.
Variant type: single nucleotide variant.
Coding change: c.3131+5G>T on transcript NM_003664.5 (MANE Select); 5 bases into the intron after coding-DNA position 3131, G replaced by T.
Molecular consequence: intron variant.
Genome position (GRCh38, 1-based): chr5:78,015,405, C>A on the plus strand (G>T on the coding strand, the complement: AP3B1 is on the minus strand). VCF-style: chr5-78015405-C-A. GRCh37 (hg19) VCF-style: chr5-77311229-C-A.
Other names: c.2984+5G>T (NM_001271769.2).
Identifiers: ClinVar variation 354221 (VCV000354221.24), dbSNP rs191616060, ClinGen allele CA3316572.
Genomic context (GRCh38, chr5:78,015,405, plus strand): 5'-TAAAATTATATATTTATACATATTCAAGTCATCTTCACCTCCACATCGTGTGTTAGTGAA[C>A]CTACCTGTGTATATTATCCTGGCCAGAAGGGACTGCACCTACATTGGCTACATTTACAAC-3'